The following is an entry in ClinVar:

ClinVar aggregate classification (germline): Uncertain significance (1 of 4 stars; one submission).

Conditions:
Inborn genetic diseases. Identifiers: MedGen C0950123, MeSH D030342.

Submission:

Ambry Genetics
Classification: Uncertain significance for Inborn genetic diseases. Last evaluated: 2024-11-17. Review status: criteria provided, single submitter. Criteria: Ambry Variant Classification Scheme 2023. Collection method: clinical testing. Allele origin: germline.
Comment: The p.H196R variant (also known as c.587A>G), located in coding exon 4 of the MECOM gene, results from an A to G substitution at nucleotide position 587. The histidine at codon 196 is replaced by arginine, an amino acid with highly similar properties. This amino acid position is conserved. In addition, this alteration is predicted to be tolerated by in silico analysis. Based on the available evidence, the clinical significance of this variant remains unclear.

NM_004991.4(MECOM):c.587A>G (p.His196Arg)

Gene: MECOM (MDS1 and EVI1 complex locus; minus strand). Cytogenetic location: 3q26.2.
Variant type: single nucleotide variant.
Coding change: c.587A>G on transcript NM_004991.4 (MANE Select); coding-DNA position 587, A replaced by G.
Protein change: p.His196Arg; replaces histidine 196 with arginine.
Molecular consequence: missense variant.
Genome position (GRCh38, 1-based): chr3:169,131,455, T>C on the plus strand (A>G on the coding strand, the complement: MECOM is on the minus strand). VCF-style: chr3-169131455-T-C. GRCh37 (hg19) VCF-style: chr3-168849243-T-C.
Other names: c.215A>G, p.His72Arg (NM_001105077.4); c.23A>G, p.His8Arg (NM_001105078.4, NM_001163999.2, NM_001164000.2 and 9 more transcripts); c.587A>G, p.His196Arg (NM_001366466.2, NM_001366473.2); short protein forms H196R, H72R, H8R.
Identifiers: ClinVar variation 3394249 (VCV003394249.1).